The following is an entry in ClinVar:

NM_006269.2(RP1):c.1084G>A (p.Asp362Asn)

Gene: RP1 (RP1 axonemal microtubule associated; plus strand). Cytogenetic location: 8q12.1.
Variant type: single nucleotide variant.
Coding change: c.1084G>A on transcript NM_006269.2 (MANE Select); coding-DNA position 1084, G replaced by A.
Protein change: p.Asp362Asn; replaces aspartic acid 362 with asparagine.
Molecular consequence: missense variant. On other transcripts: intron variant (1).
Genome position (GRCh38, 1-based): chr8:54,624,966, G>A. VCF-style: chr8-54624966-G-A. GRCh37 (hg19) VCF-style: chr8-55537526-G-A.
Other names: c.787+2678G>A (NM_001375654.1); short protein forms D362N.
Identifiers: ClinVar variation 2955151 (VCV002955151.3), dbSNP rs751050043, ClinGen allele CA4751317.

ClinVar aggregate classification (germline): Uncertain significance (1 of 4 stars; one submission).

Allele frequency attached by ClinVar (database versions not stated): ExAC 0.00001; gnomAD 0.00001; TOPMed 0.00002.
gnomAD v4.1: 1 of 1,614,012 alleles (0.000062%); highest among the groups gnomAD compares: African/African-American, 0.0013%; no homozygotes.

Submission:

Labcorp Genetics (formerly Invitae), Labcorp
Classification: Uncertain significance. Last evaluated: 2024-10-07. Review status: criteria provided, single submitter. Criteria: Invitae Variant Classification Sherloc (09022015). Collection method: clinical testing. Allele origin: germline.
Comment: This sequence change replaces aspartic acid, which is acidic and polar, with asparagine, which is neutral and polar, at codon 362 of the RP1 protein (p.Asp362Asn). This variant is present in population databases (rs751050043, gnomAD 0.007%). This variant has not been reported in the literature in individuals affected with RP1-related conditions. An algorithm developed to predict the effect of missense changes on protein structure and function outputs the following: PolyPhen-2: "Benign". The asparagine amino acid residue is found in multiple mammalian species, which suggests that this missense change does not adversely affect protein function. In summary, the available evidence is currently insufficient to determine the role of this variant in disease. Therefore, it has been classified as a Variant of Uncertain Significance.